The following is an entry in ClinVar:

ClinVar aggregate classification (germline): Uncertain significance. Review status: criteria provided, multiple submitters, no conflicts (2 of 4 stars). 2 submissions from 2 submitters: Uncertain significance (2). Last evaluated 2026-02-03.

Conditions:
Spermatogenic failure 18. Identifiers: MedGen C4539783, MONDO:0054615, OMIM 617576.
Ciliary dyskinesia, primary, 37 (CILD37). Also called: CILIARY DYSKINESIA, PRIMARY, 37, WITH OR WITHOUT SITUS INVERSUS. Identifiers: MedGen C4539798, MONDO:0033204, OMIM 617577.

gnomAD v4.1: 6 of 1,612,978 alleles (0.00037%); highest among the groups gnomAD compares: Non-Finnish European, 0.00034%; no homozygotes.

Submissions (2):

Labcorp Genetics (formerly Invitae), Labcorp
Classification: Uncertain significance for Ciliary dyskinesia, primary, 37; Spermatogenic failure 18. Last evaluated: 2026-02-03. Review status: criteria provided, single submitter. Criteria: Invitae Variant Classification Sherloc (09022015). Collection method: clinical testing. Allele origin: germline.
Comment: This sequence change replaces alanine, which is neutral and non-polar, with glycine, which is neutral and non-polar, at codon 3093 of the DNAH1 protein (p.Ala3093Gly). This variant is present in population databases (no rsID available, gnomAD 0.002%). This variant has not been reported in the literature in individuals affected with DNAH1-related conditions. Invitae Evidence Modeling of protein sequence and biophysical properties (such as structural, functional, and spatial information, amino acid conservation, physicochemical variation, residue mobility, and thermodynamic stability) indicates that this missense variant is not expected to disrupt DNAH1 protein function with a negative predictive value of 80%. Algorithms developed to predict the effect of sequence changes on RNA splicing suggest that this variant may disrupt the consensus splice site. In summary, the available evidence is currently insufficient to determine the role of this variant in disease. Therefore, it has been classified as a Variant of Uncertain Significance.

Blueprint Genetics
Classification: Uncertain significance. Last evaluated: 2023-08-17. Review status: criteria provided, single submitter. Criteria: ACMG Guidelines, 2015. Collection method: clinical testing. Allele origin: germline.

NM_015512.5(DNAH1):c.9278C>G (p.Ala3093Gly)

Gene: DNAH1 (dynein axonemal heavy chain 1; plus strand). Cytogenetic location: 3p21.1.
Variant type: single nucleotide variant.
Coding change: c.9278C>G on transcript NM_015512.5 (MANE Select); coding-DNA position 9278, C replaced by G.
Protein change: p.Ala3093Gly; replaces alanine 3093 with glycine.
Molecular consequence: missense variant.
Genome position (GRCh38, 1-based): chr3:52,388,524, C>G. VCF-style: chr3-52388524-C-G. GRCh37 (hg19) VCF-style: chr3-52422540-C-G.
Other names: short protein forms A3093G.
Identifiers: ClinVar variation 4785227 (VCV004785227.2).